The following is an entry in ClinVar:

NM_000368.5(TSC1):c.227T>A (p.Ile76Asn)

Gene: TSC1 (TSC complex subunit 1; minus strand). Cytogenetic location: 9q34.13.
Variant type: single nucleotide variant.
Coding change: c.227T>A on transcript NM_000368.5 (MANE Select); coding-DNA position 227, T replaced by A.
Protein change: p.Ile76Asn; replaces isoleucine 76 with asparagine.
Molecular consequence: missense variant. On other transcripts: 5 prime UTR variant (1), intron variant (1).
Genome position (GRCh38, 1-based): chr9:132,925,723, A>T on the plus strand (T>A on the coding strand, the complement: TSC1 is on the minus strand). VCF-style: chr9-132925723-A-T. GRCh37 (hg19) VCF-style: chr9-135801110-A-T.
Other names: c.227T>A, p.Ile76Asn (NM_001162426.2); c.-137T>A (NM_001362177.2); c.210+1478T>A (NM_001162427.2); short protein forms I76N.
Identifiers: ClinVar variation 48927 (VCV000048927.8), dbSNP rs118203355, ClinGen allele CA006220.
Genomic context (GRCh38, chr9:132,925,723, plus strand): 5'-ACATGACCCAGTAACGAGAGGATGGATAAACGAGTGGCGGCTTTGCCCACATATTCGTTA[A>T]TCCTGTCCAAGAGGTGCTGAAAATGTAAAAGAACAAGGGCAGTCCTCACATGAATGTATG-3'
Protein context (NP_000359.1, residues 66-86): EPHDKHLLDR[Ile76Asn]NEYVGKAATR

ClinVar aggregate classification (germline): Uncertain significance. Review status: criteria provided, single submitter (1 of 4 stars). 2 submissions from 2 submitters: Uncertain significance (1). 1 of the submissions does not count toward it. Last evaluated 2025-02-26.

Conditions:
Tuberous sclerosis 1 (TSC1). Identifiers: Orphanet 805, MedGen C1854465, MONDO:0008612, OMIM 191100.
Tuberous sclerosis syndrome (TSC). Also called: Tuberous Sclerosis Complex; Tuberous sclerosis. Identifiers: Orphanet 805, MedGen C0041341, MONDO:0001734.

Submissions (2):

Labcorp Genetics (formerly Invitae), Labcorp
Classification: Uncertain significance for Tuberous sclerosis 1. Last evaluated: 2025-02-26. Review status: criteria provided, single submitter. Criteria: Invitae Variant Classification Sherloc (09022015). Collection method: clinical testing. Allele origin: germline.
Comment: This sequence change replaces isoleucine, which is neutral and non-polar, with asparagine, which is neutral and polar, at codon 76 of the TSC1 protein (p.Ile76Asn). This variant is not present in population databases (gnomAD no frequency). This missense change has been observed in individual(s) with tuberous sclerosis complex (PMID: 17304050). ClinVar contains an entry for this variant (Variation ID: 48927). Invitae Evidence Modeling of protein sequence and biophysical properties (such as structural, functional, and spatial information, amino acid conservation, physicochemical variation, residue mobility, and thermodynamic stability) indicates that this missense variant is not expected to disrupt TSC1 protein function with a negative predictive value of 95%. Experimental studies have shown that this missense change affects TSC1 function (PMID: 21309039). In summary, the available evidence is currently insufficient to determine the role of this variant in disease. Therefore, it has been classified as a Variant of Uncertain Significance.

Tuberous sclerosis database (TSC1)
No classification provided. Condition: TSC. Review status: no classification provided. Criteria: Tuberous Sclerosis Database Assertion Criteria 2015. Collection method: curation. Allele origin: germline. Affected: yes. Not counted in ClinVar's aggregate classification.

Literature cited by the submitters: PubMed 17304050 (cited by Labcorp Genetics (formerly Invitae), Labcorp); PubMed 21309039 (cited by Labcorp Genetics (formerly Invitae), Labcorp).